The following is an entry in ClinVar:

NM_001356.5(DDX3X):c.822_824delinsGA (p.Thr275fs)

Gene: DDX3X (DEAD-box helicase 3 X-linked; plus strand). Cytogenetic location: Xp11.4.
Variant type: Indel.
Coding change: c.822_824delinsGA on transcript NM_001356.5 (MANE Select); coding-DNA positions 822 to 824, AAC replaced by GA.
Protein change: p.Thr275fs; shifts the reading frame from threonine 275.
Molecular consequence: frameshift variant. On other transcripts: non-coding transcript variant (1).
Genome position (GRCh38, 1-based): chrX:41,344,086-41,344,088, AAC replaced by GA. VCF-style: chrX-41344086-AAC-GA. GRCh37 (hg19) VCF-style: chrX-41203339-AAC-GA.
Other names: c.822_824delinsGA, p.Thr275fs (NM_001193416.3); c.774_776delinsGA, p.Thr259fs (NM_001193417.3); c.264_266delinsGA, p.Thr89fs (NM_001363819.1); short protein forms T259fs, T275fs, T89fs.
Identifiers: ClinVar variation 3340467 (VCV003340467.2).
Genomic context (GRCh38, chrX:41,344,086, plus strand): 5'-TTAGGAAAATGGAAGGTATGGGCGCCGCAAACAATACCCAATCTCCTTGGTATTAGCACC[AAC>GA]GAGAGAGTTGGCAGTACAGATCTACGAGGAAGCCAGAAAAGTAAGTATGAGTTCCAGTGA-3'

ClinVar aggregate classification (germline): Pathogenic (1 of 4 stars; one submission).

Conditions:
Intellectual disability, X-linked 102 (MRXSSB). Also called: Intellectual developmental disorder, X-linked syndromic, Snijders Blok type. Identifiers: Orphanet 457260, MedGen C5393299, MONDO:0010497, OMIM 300958.

Submission:

Kasturba Medical College, Manipal, Kasturba Medical College, Manipal, Manipal Academy of Higher Education, Manipal, India
Classification: Pathogenic for Intellectual disability, X-linked 102. Review status: criteria provided, single submitter. Criteria: ACMG Guidelines, 2015. Collection method: clinical testing. Allele origin: de novo. Inheritance: Autosomal dominant inheritance. Affected: yes. Observed: 1 heterozygote.
Comment: This sequence change introduces a premature stop codon that may result in a truncated protein or transcript that may undergo nonsense-mediated mRNA decay.